The following is an entry in ClinVar:

NM_144988.4(ALG14):c.328G>A (p.Glu110Lys)

Gene: ALG14 (ALG14 UDP-N-acetylglucosaminyltransferase subunit; minus strand). Cytogenetic location: 1p21.3.
Variant type: single nucleotide variant.
Coding change: c.328G>A on transcript NM_144988.4 (MANE Select); coding-DNA position 328, G replaced by A.
Protein change: p.Glu110Lys; replaces glutamic acid 110 with lysine.
Molecular consequence: missense variant. On other transcripts: non-coding transcript variant (1).
Genome position (GRCh38, 1-based): chr1:95,027,221, C>T on the plus strand (G>A on the coding strand, the complement: ALG14 is on the minus strand). VCF-style: chr1-95027221-C-T. GRCh37 (hg19) VCF-style: chr1-95492777-C-T.
Other names: c.365G>A, p.Gly122Glu (NM_001305242.2); c.328G>A (NM_144988.3); short protein forms E110K, G122E.
Identifiers: ClinVar variation 1392947 (VCV001392947.8), dbSNP rs976380616, ClinGen allele CA27224841.

ClinVar aggregate classification (germline): Uncertain significance. Review status: criteria provided, multiple submitters, no conflicts (2 of 4 stars). 2 submissions from 2 submitters: Uncertain significance (2). Last evaluated 2024-01-29.

Conditions:
Inborn genetic diseases. Identifiers: MedGen C0950123, MeSH D030342.
Congenital myasthenic syndrome 15. Also called: Myasthenic syndrome, congenital, 15, without tubular aggregates. Identifiers: Orphanet 353327, Orphanet 590, MedGen C4015596, MONDO:0014542, OMIM 616227.

Allele frequency attached by ClinVar (database versions not stated): gnomAD exomes below 0.00001 and 0.00002; gnomAD 0.00001; TOPMed 0.00002.
gnomAD v4.1: 35 of 1,614,042 alleles (0.0022%); highest among the groups gnomAD compares: African/African-American, 0.0027%; no homozygotes.

Submissions (2):

Ambry Genetics
Classification: Uncertain significance for Inborn genetic diseases. Last evaluated: 2024-01-29. Review status: criteria provided, single submitter. Criteria: Ambry Variant Classification Scheme 2023. Collection method: clinical testing. Allele origin: germline.

Labcorp Genetics (formerly Invitae), Labcorp
Classification: Uncertain significance for Congenital myasthenic syndrome 15. Last evaluated: 2022-05-20. Review status: criteria provided, single submitter. Criteria: Invitae Variant Classification Sherloc (09022015). Collection method: clinical testing. Allele origin: germline.
Comment: In summary, the available evidence is currently insufficient to determine the role of this variant in disease. Therefore, it has been classified as a Variant of Uncertain Significance. Algorithms developed to predict the effect of missense changes on protein structure and function are either unavailable or do not agree on the potential impact of this missense change (SIFT: "Deleterious"; PolyPhen-2: "Possibly Damaging"; Align-GVGD: "Class C0"). This variant has not been reported in the literature in individuals affected with ALG14-related conditions. This variant is present in population databases (no rsID available, gnomAD 0.007%). This sequence change replaces glutamic acid, which is acidic and polar, with lysine, which is basic and polar, at codon 110 of the ALG14 protein (p.Glu110Lys).